The following is an entry in ClinVar:

ClinVar aggregate classification (germline): Uncertain significance. Review status: criteria provided, multiple submitters, no conflicts (2 of 4 stars). 2 submissions from 2 submitters: Uncertain significance (2). Last evaluated 2025-08-18.

Conditions:
Spermatogenic failure 28. Identifiers: MedGen C4748117, MONDO:0054732, OMIM 618086.
Fanconi anemia (FA). Also called: Fanconi's anemia. Identifiers: Orphanet 84, MedGen C0015625, MeSH D005199, MONDO:0019391.

Allele frequency attached by ClinVar (database versions not stated): gnomAD 0.00001; gnomAD exomes 0.00001 and below 0.00001; TOPMed 0.00001.
gnomAD v4.1: 6 of 1,608,364 alleles (0.00037%); highest among the groups gnomAD compares: Admixed American, 0.01%; no homozygotes.

Submissions (2):

Labcorp Genetics (formerly Invitae), Labcorp
Classification: Uncertain significance for Fanconi anemia. Last evaluated: 2025-08-18. Review status: criteria provided, single submitter. Criteria: Invitae Variant Classification Sherloc (09022015). Collection method: clinical testing. Allele origin: germline.
Comment: This sequence change replaces glutamic acid, which is acidic and polar, with aspartic acid, which is acidic and polar, at codon 358 of the FANCM protein (p.Glu358Asp). This variant is present in population databases (no rsID available, gnomAD 0.009%). This variant has not been reported in the literature in individuals affected with FANCM-related conditions. ClinVar contains an entry for this variant (Variation ID: 998219). An algorithm developed to predict the effect of missense changes on protein structure and function (PolyPhen-2) suggests that this variant is likely to be tolerated. In summary, the available evidence is currently insufficient to determine the role of this variant in disease. Therefore, it has been classified as a Variant of Uncertain Significance.

Baylor Genetics
Classification: Uncertain significance for Spermatogenic failure 28. Last evaluated: 2020-12-03. Review status: criteria provided, single submitter. Criteria: ACMG Guidelines, 2015. Collection method: clinical testing. Allele origin: maternal. Affected: yes. Study: CSER-TexasKidsCanSeq.
Comment: This variant was determined to be of uncertain significance according to ACMG Guidelines, 2015 [PMID:25741868].

NM_020937.4(FANCM):c.1074G>C (p.Glu358Asp)

Gene: FANCM (FA complementation group M; plus strand). Cytogenetic location: 14q21.2.
Variant type: single nucleotide variant.
Coding change: c.1074G>C on transcript NM_020937.4 (MANE Select); coding-DNA position 1074, G replaced by C.
Protein change: p.Glu358Asp; replaces glutamic acid 358 with aspartic acid.
Molecular consequence: missense variant.
Genome position (GRCh38, 1-based): chr14:45,153,943, G>C. VCF-style: chr14-45153943-G-C. GRCh37 (hg19) VCF-style: chr14-45623146-G-C.
Other names: c.996G>C, p.Glu332Asp (NM_001308133.2); c.1074G>C, p.Glu358Asp (NM_001308134.2); short protein forms E332D, E358D.
Identifiers: ClinVar variation 998219 (VCV000998219.2), dbSNP rs1270701063, ClinGen allele CA389590821.
Genomic context (GRCh38, chr14:45,153,943, plus strand): 5'-TTTCTCTGGTTAAATTTGACATATGCTGTTTTTCTAGGGAATACAACAAGGCATAATCGA[G>C]GGAGAGTTTGCTATTTGTATTAGTTTATATCATGGTTATGAATTATTGCAGCAAATGGGA-3'
Protein context (NP_065988.1, residues 348-368): NIVGIQQGII[Glu358Asp]GEFAICISLY